The following is an entry in ClinVar:

NM_002860.4(ALDH18A1):c.1907T>C (p.Met636Thr)

Gene: ALDH18A1 (aldehyde dehydrogenase 18 family member A1; minus strand). Cytogenetic location: 10q24.1.
Variant type: single nucleotide variant.
Coding change: c.1907T>C on transcript NM_002860.4 (MANE Select); coding-DNA position 1907, T replaced by C.
Protein change: p.Met636Thr; replaces methionine 636 with threonine.
Molecular consequence: missense variant.
Genome position (GRCh38, 1-based): chr10:95,613,758, A>G on the plus strand (T>C on the coding strand, the complement: ALDH18A1 is on the minus strand). VCF-style: chr10-95613758-A-G. GRCh37 (hg19) VCF-style: chr10-97373515-A-G.
Other names: c.1901T>C, p.Met634Thr (NM_001017423.2, NM_001323415.2); c.1574T>C, p.Met525Thr (NM_001323412.2, NM_001323416.2); c.1907T>C, p.Met636Thr (NM_001323413.2, NM_001323414.2); c.1802T>C, p.Met601Thr (NM_001323417.2); c.1568T>C, p.Met523Thr (NM_001323418.2); c.1271T>C, p.Met424Thr (NM_001323419.2); short protein forms M424T, M523T, M525T, M601T, M634T, M636T.
Identifiers: ClinVar variation 1693358 (VCV001693358.3), dbSNP rs1051900803, ClinGen allele CA211788732.
Genomic context (GRCh38, chr10:95,613,758, plus strand): 5'-CTTCTAAGACAGGAAGTAATGTACTAGTCCTATGGAACTCTTACCTGTTCCACTCTCAGC[A>G]TATCAATGATCTGGTCAAATAATGGTGTCCTGAGCAGATCCCGGTGGATTAACAAAGTCT-3'
Protein context (NP_002851.2, residues 626-646): RTPLFDQIID[Met636Thr]LRVEQVKIHA

ClinVar aggregate classification (germline): Uncertain significance. Review status: criteria provided, multiple submitters, no conflicts (2 of 4 stars). 2 submissions from 2 submitters: Uncertain significance (2). Last evaluated 2026-01-24.

Conditions:
Autosomal dominant spastic paraplegia type 9. Identifiers: MedGen C1832669, MONDO:0015091.
Cutis laxa, autosomal dominant 3 (ADCL3). Identifiers: Orphanet 90348, MedGen C4225268, MONDO:0014706, OMIM 616603.
de Barsy syndrome. Also called: Cutis laxa-corneal clouding-oligophrenia syndrome. Identifiers: Orphanet 2962, MedGen C0268354, MONDO:0017569.

gnomAD v4.1: 8 of 1,614,196 alleles (0.0005%); highest among the groups gnomAD compares: Non-Finnish European, 0.00059%; no homozygotes.

Submissions (2):

Labcorp Genetics (formerly Invitae), Labcorp
Classification: Uncertain significance for Autosomal dominant spastic paraplegia type 9; de Barsy syndrome; Cutis laxa, autosomal dominant 3. Last evaluated: 2026-01-24. Review status: criteria provided, single submitter. Criteria: Invitae Variant Classification Sherloc (09022015). Collection method: clinical testing. Allele origin: germline.
Comment: This sequence change replaces methionine, which is neutral and non-polar, with threonine, which is neutral and polar, at codon 636 of the ALDH18A1 protein (p.Met636Thr). This variant is not present in population databases (gnomAD no frequency). This variant has not been reported in the literature in individuals affected with ALDH18A1-related conditions. ClinVar contains an entry for this variant (Variation ID: 1693358). Invitae Evidence Modeling of protein sequence and biophysical properties (such as structural, functional, and spatial information, amino acid conservation, physicochemical variation, residue mobility, and thermodynamic stability) indicates that this missense variant is not expected to disrupt ALDH18A1 protein function with a negative predictive value of 80%. In summary, the available evidence is currently insufficient to determine the role of this variant in disease. Therefore, it has been classified as a Variant of Uncertain Significance.

GeneDx
Classification: Uncertain significance. Last evaluated: 2021-12-09. Review status: criteria provided, single submitter. Criteria: GeneDx Variant Classification Process June 2021. Collection method: clinical testing. Allele origin: germline. Affected: yes.
Comment: Not observed at significant frequency in large population cohorts (gnomAD); In silico analysis supports that this missense variant does not alter protein structure/function; Has not been previously published as pathogenic or benign to our knowledge